The following is an entry in ClinVar:

NM_001563.4(IMPG1):c.767C>G (p.Ser256Cys)

Gene: IMPG1 (interphotoreceptor matrix proteoglycan 1; minus strand). Cytogenetic location: 6q14.1.
Variant type: single nucleotide variant.
Coding change: c.767C>G on transcript NM_001563.4 (MANE Select); coding-DNA position 767, C replaced by G.
Protein change: p.Ser256Cys; replaces serine 256 with cysteine.
Molecular consequence: missense variant.
Genome position (GRCh38, 1-based): chr6:76,018,758, G>C on the plus strand (C>G on the coding strand, the complement: IMPG1 is on the minus strand). VCF-style: chr6-76018758-G-C. GRCh37 (hg19) VCF-style: chr6-76728475-G-C.
Other names: c.767C>G (NM_001563.3); c.533C>G, p.Ser178Cys (NM_001282368.2); short protein forms S178C, S256C.
Identifiers: ClinVar variation 1016114 (VCV001016114.13), dbSNP rs760175948, ClinGen allele CA3898345.

ClinVar aggregate classification (germline): Conflicting classifications of pathogenicity. Review status: criteria provided, conflicting classifications (1 of 4 stars). 4 submissions from 4 submitters: Uncertain significance (3); Benign (1). Last evaluated 2025-10-24.

Conditions:
Retinal dystrophy. Also called: Inherited retinal dystrophy. Identifiers: Orphanet 71862, MedGen C0854723, MeSH D058499, MONDO:0019118, HP:0000556.
IMPG1-related disorder. Also called: IMPG1-related condition.

Allele frequency attached by ClinVar (database versions not stated): ExAC 0.00006; TOPMed 0.00014.
gnomAD v4.1: 29 of 1,613,496 alleles (0.0018%); highest among the groups gnomAD compares: East Asian, 0.051%; no homozygotes.

Submissions (4):

PreventionGenetics, part of Exact Sciences
Classification: Uncertain significance for IMPG1-related condition. Last evaluated: 2025-10-24. Review status: criteria provided, single submitter. Criteria: ACMG Guidelines, 2015. Collection method: clinical testing. Allele origin: germline.
Comment: The IMPG1 c.767C>G variant is predicted to result in the amino acid substitution p.Ser256Cys. To our knowledge, this variant has not been reported in the literature. This variant is reported in 0.090% of alleles in individuals of East Asian descent in gnomAD, which may be too frequent to be a primary cause of disease. Although we suspect that this variant may be benign, at this time, the clinical significance of this variant is uncertain due to the absence of conclusive functional and genetic evidence.

Labcorp Genetics (formerly Invitae), Labcorp
Classification: Uncertain significance. Last evaluated: 2025-10-23. Review status: criteria provided, single submitter. Criteria: Invitae Variant Classification Sherloc (09022015). Collection method: clinical testing. Allele origin: germline.
Comment: This sequence change replaces serine, which is neutral and polar, with cysteine, which is neutral and slightly polar, at codon 256 of the IMPG1 protein (p.Ser256Cys). The frequency data for this variant in the population databases is considered unreliable, as metrics indicate poor data quality at this position in the gnomAD database. This variant has not been reported in the literature in individuals affected with IMPG1-related conditions. ClinVar contains an entry for this variant (Variation ID: 1016114). An algorithm developed to predict the effect of missense changes on protein structure and function (PolyPhen-2) suggests that this variant is likely to be disruptive. In summary, the available evidence is currently insufficient to determine the role of this variant in disease. Therefore, it has been classified as a Variant of Uncertain Significance.

Blueprint Genetics
Classification: Uncertain significance. Last evaluated: 2024-01-30. Review status: criteria provided, single submitter. Criteria: ACMG Guidelines, 2015. Collection method: clinical testing. Allele origin: germline.

Dept Of Ophthalmology, Nagoya University
Classification: Benign for Retinal dystrophy. Last evaluated: 2023-10-01. Review status: criteria provided, single submitter. Criteria: Submitter's publication. Collection method: research. Allele origin: germline. Affected: yes.